The following is an entry in ClinVar:

NM_153240.5(NPHP3):c.2950G>A (p.Val984Ile)

Genes: NPHP3-ACAD11 (NPHP3-ACAD11 readthrough (NMD candidate); minus strand), NPHP3 (nephrocystin 3; minus strand). Cytogenetic location: 3q22.1.
Variant type: single nucleotide variant.
Coding change: c.2950G>A on transcript NM_153240.5 (MANE Select); coding-DNA position 2950, G replaced by A.
Protein change: p.Val984Ile; replaces valine 984 with isoleucine.
Molecular consequence: missense variant. On other transcripts: non-coding transcript variant (1).
Genome position (GRCh38, 1-based): chr3:132,688,825, C>T on the plus strand (G>A on the coding strand, the complement: NPHP3 is on the minus strand). VCF-style: chr3-132688825-C-T. GRCh37 (hg19) VCF-style: chr3-132407669-C-T.
Other names: short protein forms V984I.
Identifiers: ClinVar variation 2067529 (VCV002067529.4), dbSNP rs2530395589, ClinGen allele CA354580109.
Genomic context (GRCh38, chr3:132,688,825, plus strand): 5'-CATTGCCAAACTTCTTCCACTGCACGTATACACTTGCTAGTTGGTGGAGGGACTGGGCTA[C>T]TCTTGGGTGATCGGGATCTAAAGCTGTTTCTCGAATCTCTAAAGACCTCTGCAAAGGTAC-3'
Protein context (NP_694972.3, residues 974-994): ETALDPDHPR[Val984Ile]AQSLHQLASV

ClinVar aggregate classification (germline): Uncertain significance (1 of 4 stars; one submission).

Conditions:
Nephronophthisis. Also called: Juvenile Nephronophthisis. Identifiers: Orphanet 655, MedGen C0687120, MONDO:0019005, HP:0000090.

Submission:

Labcorp Genetics (formerly Invitae), Labcorp
Classification: Uncertain significance for Nephronophthisis. Last evaluated: 2022-03-09. Review status: criteria provided, single submitter. Criteria: Invitae Variant Classification Sherloc (09022015). Collection method: clinical testing. Allele origin: germline.
Comment: This sequence change replaces valine, which is neutral and non-polar, with isoleucine, which is neutral and non-polar, at codon 984 of the NPHP3 protein (p.Val984Ile). This variant is not present in population databases (gnomAD no frequency). This variant has not been reported in the literature in individuals affected with NPHP3-related conditions. Algorithms developed to predict the effect of missense changes on protein structure and function are either unavailable or do not agree on the potential impact of this missense change (SIFT: "Tolerated"; PolyPhen-2: "Probably Damaging"; Align-GVGD: "Class C0"). In summary, the available evidence is currently insufficient to determine the role of this variant in disease. Therefore, it has been classified as a Variant of Uncertain Significance.